The following is an entry in ClinVar:

ClinVar aggregate classification (germline): Uncertain significance (1 of 4 stars; one submission).

Allele frequency attached by ClinVar (database versions not stated): gnomAD exomes below 0.00001 and 0.00001; ExAC 0.00001; TOPMed 0.00001.
gnomAD v4.1: 2 of 1,601,738 alleles (0.00012%); highest among the groups gnomAD compares: Admixed American, 0.0033%; no homozygotes.

Submission:

Labcorp Genetics (formerly Invitae), Labcorp
Classification: Uncertain significance. Last evaluated: 2021-09-24. Review status: criteria provided, single submitter. Criteria: Invitae Variant Classification Sherloc (09022015). Collection method: clinical testing. Allele origin: germline.
Comment: This sequence change falls in intron 21 of the CDH23 gene. It does not directly change the encoded amino acid sequence of the CDH23 protein. This variant is present in population databases (rs775905039, ExAC 0.009%). This variant has not been reported in the literature in individuals affected with CDH23-related conditions. Algorithms developed to predict the effect of sequence changes on RNA splicing suggest that this variant may disrupt the consensus splice site. In summary, the available evidence is currently insufficient to determine the role of this variant in disease. Therefore, it has been classified as a Variant of Uncertain Significance.

NM_022124.6(CDH23):c.2290-6T>G

Gene: CDH23 (cadherin related 23; plus strand). Cytogenetic location: 10q22.1.
Variant type: single nucleotide variant.
Coding change: c.2290-6T>G on transcript NM_022124.6 (MANE Select); 6 bases into the intron before coding-DNA position 2290, T replaced by G.
Molecular consequence: intron variant.
Genome position (GRCh38, 1-based): chr10:71,695,412, T>G. VCF-style: chr10-71695412-T-G. GRCh37 (hg19) VCF-style: chr10-73455169-T-G.
Other names: c.2290-6T>G (NM_001171930.2, NM_001171931.2).
Identifiers: ClinVar variation 1415754 (VCV001415754.5), dbSNP rs775905039, ClinGen allele CA5544173.